The following is an entry in ClinVar:

ClinVar aggregate classification (germline): Uncertain significance (1 of 4 stars; one submission).

Conditions:
Dyskeratosis congenita, autosomal dominant 2. Identifiers: MedGen C3151443, MONDO:0013521, OMIM 613989.
Idiopathic Pulmonary Fibrosis. Also called: Idiopathic fibrosing alveolitis, chronic form; idiopathic fibrosing alveolitis. Identifiers: Orphanet 2032, MedGen C1800706, MeSH D054990, MONDO:0800504.

Submission:

Labcorp Genetics (formerly Invitae), Labcorp
Classification: Uncertain significance for Dyskeratosis congenita, autosomal dominant 2; Idiopathic Pulmonary Fibrosis. Last evaluated: 2022-04-02. Review status: criteria provided, single submitter. Criteria: Invitae Variant Classification Sherloc (09022015). Collection method: clinical testing. Allele origin: germline.
Comment: In summary, the available evidence is currently insufficient to determine the role of this variant in disease. Therefore, it has been classified as a Variant of Uncertain Significance. Advanced modeling of protein sequence and biophysical properties (such as structural, functional, and spatial information, amino acid conservation, physicochemical variation, residue mobility, and thermodynamic stability) performed at Invitae indicates that this missense variant is not expected to disrupt TERT protein function. This variant has not been reported in the literature in individuals affected with TERT-related conditions. This variant is not present in population databases (gnomAD no frequency). This sequence change replaces alanine, which is neutral and non-polar, with aspartic acid, which is acidic and polar, at codon 801 of the TERT protein (p.Ala801Asp).

NM_198253.3(TERT):c.2402C>A (p.Ala801Asp)

Gene: TERT (telomerase reverse transcriptase; minus strand). Cytogenetic location: 5p15.33.
Variant type: single nucleotide variant.
Coding change: c.2402C>A on transcript NM_198253.3 (MANE Select); coding-DNA position 2402, C replaced by A.
Protein change: p.Ala801Asp; replaces alanine 801 with aspartic acid.
Molecular consequence: missense variant.
Genome position (GRCh38, 1-based): chr5:1,271,185, G>T on the plus strand (C>A on the coding strand, the complement: TERT is on the minus strand). VCF-style: chr5-1271185-G-T. GRCh37 (hg19) VCF-style: chr5-1271300-G-T.
Other names: c.2402C>A, p.Ala801Asp (NM_001193376.3, NM_003219.1); short protein forms A801D.
Identifiers: ClinVar variation 2120811 (VCV002120811.4), dbSNP rs1749006590, ClinGen allele CA359075816.
Genomic context (GRCh38, chr5:1,271,185, plus strand): 5'-CTGATGCGCACGGCGTGGTGGCACATGAAGCGTAGGAAGACGTCGAAGAGGCCACTGCTG[G>T]CCTCATTCAGGGAGGAGCTCTGCGAAAGCAGACGGGAGACACATGGGAGTGAGCCGGTGG-3'
Protein context (NP_937983.2, residues 791-811): VIEQSSSLNE[Ala801Asp]SSGLFDVFLR